The following is an entry in ClinVar:

NM_001458.5(FLNC):c.6713C>T (p.Thr2238Ile)

Genes: FLNC-AS1 (FLNC antisense RNA 1; minus strand), FLNC (filamin C; plus strand). Cytogenetic location: 7q32.1.
Variant type: single nucleotide variant.
Coding change: c.6713C>T on transcript NM_001458.5 (MANE Select); coding-DNA position 6713, C replaced by T.
Protein change: p.Thr2238Ile; replaces threonine 2238 with isoleucine.
Molecular consequence: missense variant.
Genome position (GRCh38, 1-based): chr7:128,854,202, C>T. VCF-style: chr7-128854202-C-T. GRCh37 (hg19) VCF-style: chr7-128494256-C-T.
Other names: c.6614C>T, p.Thr2205Ile (NM_001127487.2); short protein forms T2205I, T2238I.
Identifiers: ClinVar variation 944069 (VCV000944069.10), dbSNP rs1043618669, ClinGen allele CA369213276.

ClinVar aggregate classification (germline): Uncertain significance (1 of 4 stars; one submission).

Conditions:
Myofibrillar myopathy 5. Also called: Filaminopathy (type); FILAMINOPATHY, AUTOSOMAL DOMINANT. Identifiers: Orphanet 171445, MedGen C1836050, MONDO:0012289, OMIM 609524.
Distal myopathy with posterior leg and anterior hand involvement. Also called: WILLIAMS DISTAL MYOPATHY. Identifiers: Orphanet 63273, MedGen C3279722, MONDO:0013550, OMIM 614065.
Hypertrophic cardiomyopathy 26. Also called: Cardiomyopathy, familial hypertrophic, 26. Identifiers: Orphanet 75249, MedGen C4310749, MONDO:0014883, OMIM 617047.

Allele frequency attached by ClinVar (database versions not stated): gnomAD 0.00001.
gnomAD v4.1: 4 of 1,607,692 alleles (0.00025%); highest among the groups gnomAD compares: Non-Finnish European, 0.00034%; no homozygotes.

Submission:

Labcorp Genetics (formerly Invitae), Labcorp
Classification: Uncertain significance for Distal myopathy with posterior leg and anterior hand involvement; Myofibrillar myopathy 5; Hypertrophic cardiomyopathy 26. Last evaluated: 2025-02-03. Review status: criteria provided, single submitter. Criteria: Invitae Variant Classification Sherloc (09022015). Collection method: clinical testing. Allele origin: germline.
Comment: This sequence change replaces threonine, which is neutral and polar, with isoleucine, which is neutral and non-polar, at codon 2238 of the FLNC protein (p.Thr2238Ile). This variant is not present in population databases (gnomAD no frequency). This missense change has been observed in individual(s) with myopathy (PMID: 32112656). ClinVar contains an entry for this variant (Variation ID: 944069). An algorithm developed to predict the effect of missense changes on protein structure and function (PolyPhen-2) suggests that this variant is likely to be tolerated. In summary, the available evidence is currently insufficient to determine the role of this variant in disease. Therefore, it has been classified as a Variant of Uncertain Significance.

Literature cited by the submitters: PubMed 32112656.